The following is an entry in ClinVar:

ClinVar aggregate classification (germline): Uncertain significance (1 of 4 stars; one submission).

Conditions:
Hereditary sensory neuropathy-deafness-dementia syndrome. Also called: Hereditary Sensory and Autonomic Neuropathy Type 1E (HSAN1E); NEUROPATHY, HEREDITARY SENSORY, WITH HEARING LOSS AND DEMENTIA; HSN IE; Hereditary sensory neuropathy type IE. Identifiers: Orphanet 456318, MedGen C3279885, MONDO:0013584, OMIM 614116.

Allele frequency attached by ClinVar (database versions not stated): ExAC 0.00001; gnomAD 0.00001; gnomAD exomes 0.00001; TOPMed 0.00001.
gnomAD v4.1: 12 of 1,614,050 alleles (0.00074%); highest among the groups gnomAD compares: African/African-American, 0.0013%; no homozygotes.

Submission:

Labcorp Genetics (formerly Invitae), Labcorp
Classification: Uncertain significance for Hereditary sensory neuropathy-deafness-dementia syndrome. Last evaluated: 2023-11-17. Review status: criteria provided, single submitter. Criteria: Invitae Variant Classification Sherloc (09022015). Collection method: clinical testing. Allele origin: germline.
Comment: This sequence change replaces aspartic acid, which is acidic and polar, with asparagine, which is neutral and polar, at codon 537 of the DNMT1 protein (p.Asp537Asn). This variant is present in population databases (rs767797868, gnomAD 0.0009%). This variant has not been reported in the literature in individuals affected with DNMT1-related conditions. Advanced modeling of protein sequence and biophysical properties (such as structural, functional, and spatial information, amino acid conservation, physicochemical variation, residue mobility, and thermodynamic stability) performed at Invitae indicates that this missense variant is not expected to disrupt DNMT1 protein function with a negative predictive value of 80%. In summary, the available evidence is currently insufficient to determine the role of this variant in disease. Therefore, it has been classified as a Variant of Uncertain Significance.

NM_001130823.3(DNMT1):c.1609G>A (p.Asp537Asn)

Gene: DNMT1 (DNA methyltransferase 1; minus strand). Cytogenetic location: 19p13.2.
Variant type: single nucleotide variant.
Coding change: c.1609G>A on transcript NM_001130823.3 (MANE Select); coding-DNA position 1609, G replaced by A.
Protein change: p.Asp537Asn; replaces aspartic acid 537 with asparagine.
Molecular consequence: missense variant.
Genome position (GRCh38, 1-based): chr19:10,154,940, C>T on the plus strand (G>A on the coding strand, the complement: DNMT1 is on the minus strand). VCF-style: chr19-10154940-C-T. GRCh37 (hg19) VCF-style: chr19-10265616-C-T.
Other names: c.1561G>A, p.Asp521Asn (NM_001318730.2, NM_001379.4); c.1246G>A, p.Asp416Asn (NM_001318731.2); short protein forms D416N, D521N, D537N.
Identifiers: ClinVar variation 2884865 (VCV002884865.3), dbSNP rs767797868, ClinGen allele CA9188269.
Genomic context (GRCh38, chr19:10,154,940, plus strand): 5'-ATGCTGAGGACCCTCGATCTCTTACCTCGATCTTGTTGATCAGGTCCTCATAGGTCGAGT[C>T]GGAATTGCTCTGCAGGAACTCCACCACAATCTTGCTGATGTAGATCTTCTCCTGCATCAG-3'
Protein context (NP_001124295.1, residues 527-547): IVVEFLQSNS[Asp537Asn]STYEDLINKI